The following is an entry in ClinVar:

ClinVar aggregate classification (germline): Uncertain significance (1 of 4 stars; one submission).

Submission:

Labcorp Genetics (formerly Invitae), Labcorp
Classification: Uncertain significance. Last evaluated: 2023-10-10. Review status: criteria provided, single submitter. Criteria: Invitae Variant Classification Sherloc (09022015). Collection method: clinical testing. Allele origin: germline.
Comment: This sequence change replaces cysteine, which is neutral and slightly polar, with glycine, which is neutral and non-polar, at codon 184 of the NOG protein (p.Cys184Gly). This variant is not present in population databases (gnomAD no frequency). This missense change has been observed in individual(s) with clinical features of NOG-related symphalangism spectrum disorder (Invitae). An algorithm developed to predict the effect of missense changes on protein structure and function (PolyPhen-2) suggests that this variant is likely to be disruptive. This variant disrupts the p.Cys184 amino acid residue in NOG. Other variant(s) that disrupt this residue have been observed in individuals with NOG-related conditions (PMID: 11846737, 22288654), which suggests that this may be a clinically significant amino acid residue. In summary, the available evidence is currently insufficient to determine the role of this variant in disease. Therefore, it has been classified as a Variant of Uncertain Significance.

Literature cited by the submitters: PubMed 11846737; PubMed 22288654.

NM_005450.6(NOG):c.550T>G (p.Cys184Gly)

Gene: NOG (noggin; plus strand). Cytogenetic location: 17q22.
Variant type: single nucleotide variant.
Coding change: c.550T>G on transcript NM_005450.6 (MANE Select); coding-DNA position 550, T replaced by G.
Protein change: p.Cys184Gly; replaces cysteine 184 with glycine.
Molecular consequence: missense variant.
Genome position (GRCh38, 1-based): chr17:56,594,773, T>G. VCF-style: chr17-56594773-T-G. GRCh37 (hg19) VCF-style: chr17-54672134-T-G.
Other names: short protein forms C184G.
Identifiers: ClinVar variation 2753455 (VCV002753455.3), dbSNP rs2545137854, ClinGen allele CA399966579.